The following is an entry in ClinVar:

ClinVar aggregate classification (germline): Uncertain significance (1 of 4 stars; one submission).

Submission:

GeneDx
Classification: Uncertain significance. Last evaluated: 2026-02-08. Review status: criteria provided, single submitter. Criteria: GeneDx Variant Classification Process June 2021. Collection method: clinical testing. Allele origin: germline.
Comment: Not observed at significant frequency in large population cohorts (gnomAD); In silico analysis supports that this missense variant has a deleterious effect on protein structure/function; Has not been previously published as pathogenic or benign to our knowledge

NM_013450.4(BAZ2B):c.5440A>G (p.Ser1814Gly)

Gene: BAZ2B (bromodomain adjacent to zinc finger domain 2B; minus strand). Cytogenetic location: 2q24.2.
Variant type: single nucleotide variant.
Coding change: c.5440A>G on transcript NM_013450.4 (MANE Select); coding-DNA position 5440, A replaced by G.
Protein change: p.Ser1814Gly; replaces serine 1814 with glycine.
Molecular consequence: missense variant.
Genome position (GRCh38, 1-based): chr2:159,347,500, T>C on the plus strand (A>G on the coding strand, the complement: BAZ2B is on the minus strand). VCF-style: chr2-159347500-T-C. GRCh37 (hg19) VCF-style: chr2-160204011-T-C.
Other names: c.5332A>G, p.Ser1778Gly (NM_001289975.1); c.5278A>G, p.Ser1760Gly (NM_001329857.2); c.5365A>G, p.Ser1789Gly (NM_001329858.2); short protein forms S1760G, S1778G, S1789G, S1814G.
Identifiers: ClinVar variation 4976086 (VCV004976086.1).